The following is an entry in ClinVar:

ClinVar aggregate classification (germline): Uncertain significance (1 of 4 stars; one submission).

Submission:

Labcorp Genetics (formerly Invitae), Labcorp
Classification: Uncertain significance. Last evaluated: 2026-01-23. Review status: criteria provided, single submitter. Criteria: Invitae Variant Classification Sherloc (09022015). Collection method: clinical testing. Allele origin: germline.
Comment: This sequence change replaces alanine, which is neutral and non-polar, with valine, which is neutral and non-polar, at codon 44 of the COL11A1 protein (p.Ala44Val). This variant is not present in population databases (gnomAD no frequency). This variant has not been reported in the literature in individuals affected with COL11A1-related conditions. Invitae Evidence Modeling of protein sequence and biophysical properties (such as structural, functional, and spatial information, amino acid conservation, physicochemical variation, residue mobility, and thermodynamic stability) indicates that this missense variant is not expected to disrupt COL11A1 protein function with a negative predictive value of 95%. In summary, the available evidence is currently insufficient to determine the role of this variant in disease. Therefore, it has been classified as a Variant of Uncertain Significance.

NM_001854.4(COL11A1):c.131C>T (p.Ala44Val)

Gene: COL11A1 (collagen type XI alpha 1 chain; minus strand). Cytogenetic location: 1p21.1.
Variant type: single nucleotide variant.
Coding change: c.131C>T on transcript NM_001854.4 (MANE Select); coding-DNA position 131, C replaced by T.
Protein change: p.Ala44Val; replaces alanine 44 with valine.
Molecular consequence: missense variant. On other transcripts: non-coding transcript variant (1).
Genome position (GRCh38, 1-based): chr1:103,082,948, G>A on the plus strand (C>T on the coding strand, the complement: COL11A1 is on the minus strand). VCF-style: chr1-103082948-G-A. GRCh37 (hg19) VCF-style: chr1-103548504-G-A.
Other names: c.131C>T, p.Ala44Val (NM_001190709.2, NM_080629.3, NM_080630.4); short protein forms A44V.
Identifiers: ClinVar variation 4799919 (VCV004799919.1).